The following is an entry in ClinVar:

NM_001375524.1(TRRAP):c.5298C>A (p.Phe1766Leu)

Genes: TRRAP (transformation/transcription domain associated protein; plus strand), LOC126860121 (MED14-independent group 3 enhancer GRCh37_chr7:98547245-98548444; plus strand). Cytogenetic location: 7q22.1.
Variant type: single nucleotide variant.
Coding change: c.5298C>A on transcript NM_001375524.1 (MANE Select); coding-DNA position 5298, C replaced by A.
Protein change: p.Phe1766Leu; replaces phenylalanine 1766 with leucine.
Molecular consequence: missense variant.
Genome position (GRCh38, 1-based): chr7:98,950,226, C>A. VCF-style: chr7-98950226-C-A. GRCh37 (hg19) VCF-style: chr7-98547849-C-A.
Other names: c.5277C>A, p.Phe1759Leu (NM_001244580.2); c.5223C>A, p.Phe1741Leu (NM_003496.4); c.5223C>A (NM_003496.3); short protein forms F1759L, F1741L, F1766L.
Identifiers: ClinVar variation 2184212 (VCV002184212.5), dbSNP rs371741710, ClinGen allele CA4360521.

ClinVar aggregate classification (germline): Uncertain significance. Review status: criteria provided, single submitter (1 of 4 stars). 2 submissions from 2 submitters: Uncertain significance (1). 1 of the submissions does not count toward it. Last evaluated 2025-04-08.

Conditions:
TRRAP-related disorder. Also called: TRRAP-related condition.

Allele frequency attached by ClinVar (database versions not stated): ESP Exome Variant Server 0.00008; gnomAD 0.00009; TOPMed 0.00009.
gnomAD v4.1: 462 of 1,614,084 alleles (0.029%); highest among the groups gnomAD compares: Non-Finnish European, 0.037%; no homozygotes.

Submissions (2):

Labcorp Genetics (formerly Invitae), Labcorp
Classification: Uncertain significance. Last evaluated: 2025-04-08. Review status: criteria provided, single submitter. Criteria: Invitae Variant Classification Sherloc (09022015). Collection method: clinical testing. Allele origin: germline.
Comment: This sequence change replaces phenylalanine, which is neutral and non-polar, with leucine, which is neutral and non-polar, at codon 1741 of the TRRAP protein (p.Phe1741Leu). This variant is present in population databases (rs371741710, gnomAD 0.02%). This variant has not been reported in the literature in individuals affected with TRRAP-related conditions. ClinVar contains an entry for this variant (Variation ID: 2184212). Invitae Evidence Modeling of protein sequence and biophysical properties (such as structural, functional, and spatial information, amino acid conservation, physicochemical variation, residue mobility, and thermodynamic stability) indicates that this missense variant is not expected to disrupt TRRAP protein function with a negative predictive value of 80%. In summary, the available evidence is currently insufficient to determine the role of this variant in disease. Therefore, it has been classified as a Variant of Uncertain Significance.

PreventionGenetics, part of Exact Sciences
Classification: Likely benign for TRRAP-related condition. Last evaluated: 2024-08-28. Review status: no assertion criteria provided. Collection method: clinical testing. Allele origin: germline. Not counted in ClinVar's aggregate classification.
Comment: This variant is classified as likely benign based on ACMG/AMP sequence variant interpretation guidelines (Richards et al. 2015 PMID: 25741868, with internal and published modifications).